The following is an entry in ClinVar:

ClinVar aggregate classification (germline): Uncertain significance. Review status: criteria provided, multiple submitters, no conflicts (2 of 4 stars). 2 submissions from 2 submitters: Uncertain significance (2). Last evaluated 2024-01-13.

Allele frequency attached by ClinVar (database versions not stated): gnomAD exomes below 0.00001; ExAC 0.00001; gnomAD 0.00001; TOPMed 0.00001.
gnomAD v4.1: 9 of 1,613,986 alleles (0.00056%); highest among the groups gnomAD compares: African/African-American, 0.0027%; no homozygotes.

Submissions (2):

Labcorp Genetics (formerly Invitae), Labcorp
Classification: Uncertain significance. Last evaluated: 2024-01-13. Review status: criteria provided, single submitter. Criteria: Invitae Variant Classification Sherloc (09022015). Collection method: clinical testing. Allele origin: germline.
Comment: This sequence change replaces arginine, which is basic and polar, with histidine, which is basic and polar, at codon 719 of the TFRC protein (p.Arg719His). This variant is present in population databases (rs200232625, gnomAD 0.002%). This variant has not been reported in the literature in individuals affected with TFRC-related conditions. Advanced modeling of protein sequence and biophysical properties (such as structural, functional, and spatial information, amino acid conservation, physicochemical variation, residue mobility, and thermodynamic stability) has been performed at Invitae for this missense variant, however the output from this modeling did not meet the statistical confidence thresholds required to predict the impact of this variant on TFRC protein function. In summary, the available evidence is currently insufficient to determine the role of this variant in disease. Therefore, it has been classified as a Variant of Uncertain Significance.

Blueprint Genetics
Classification: Uncertain significance. Last evaluated: 2023-06-02. Review status: criteria provided, single submitter. Criteria: ACMG Guidelines, 2015. Collection method: clinical testing. Allele origin: germline.

NM_001128148.3(TFRC):c.2156G>A (p.Arg719His)

Gene: TFRC (transferrin receptor; minus strand). Cytogenetic location: 3q29.
Variant type: single nucleotide variant.
Coding change: c.2156G>A on transcript NM_001128148.3 (MANE Select); coding-DNA position 2156, G replaced by A.
Protein change: p.Arg719His; replaces arginine 719 with histidine.
Molecular consequence: missense variant.
Genome position (GRCh38, 1-based): chr3:196,052,069, C>T on the plus strand (G>A on the coding strand, the complement: TFRC is on the minus strand). VCF-style: chr3-196052069-C-T. GRCh37 (hg19) VCF-style: chr3-195778940-C-T.
Other names: c.1913G>A, p.Arg638His (NM_001313965.2); c.1310G>A, p.Arg437His (NM_001313966.2); c.2156G>A, p.Arg719His (NM_003234.4); short protein forms R719H, R437H, R638H.
Identifiers: ClinVar variation 2904454 (VCV002904454.4), dbSNP rs200232625, ClinGen allele CA2777694.